The following is an entry in ClinVar:

ClinVar aggregate classification (germline): Conflicting classifications of pathogenicity. Review status: criteria provided, conflicting classifications (1 of 4 stars). 7 submissions from 7 submitters: Uncertain significance (1); Benign (3); Likely benign (3). Last evaluated 2026-01-28.

Conditions:
Autosomal recessive nonsyndromic hearing loss 3. Also called: NEUROSENSORY NONSYNDROMIC RECESSIVE DEAFNESS 3. Identifiers: Orphanet 90636, MedGen C1838263, MONDO:0010860, OMIM 600316.

Allele frequency attached by ClinVar (database versions not stated): 1000 Genomes Project 30x 0.00047; 1000 Genomes Project 0.00060; gnomAD exomes 0.00114; ExAC 0.00122; gnomAD 0.00304 and 0.00331; TOPMed 0.00360; ESP Exome Variant Server 0.00372.
gnomAD v4.1: 2,524 of 1,613,458 alleles (0.16%); highest among the groups gnomAD compares: African/African-American, 0.88%; 9 homozygotes.

Submissions (7):

Labcorp Genetics (formerly Invitae), Labcorp
Classification: Benign. Last evaluated: 2026-01-28. Review status: criteria provided, single submitter. Criteria: Invitae Variant Classification Sherloc (09022015). Collection method: clinical testing. Allele origin: germline.

CeGaT Center for Human Genetics Tuebingen
Classification: Likely benign. Last evaluated: 2025-10-01. Review status: criteria provided, single submitter. Criteria: CeGaT Center For Human Genetics Tuebingen Variant Classification Criteria Version 2. Collection method: clinical testing. Allele origin: germline. Affected: yes. Observed: 5 variant alleles.
Comment: MYO15A: BP4, BP7

Blueprint Genetics
Classification: Likely benign. Last evaluated: 2024-11-15. Review status: criteria provided, single submitter. Criteria: ACMG Guidelines, 2015. Collection method: clinical testing. Allele origin: germline.

Women's Health and Genetics/Laboratory Corporation of America, LabCorp
Classification: Likely benign. Last evaluated: 2024-09-04. Review status: criteria provided, single submitter. Criteria: LabCorp Variant Classification Summary - May 2015. Collection method: clinical testing. Allele origin: germline.

GeneDx
Classification: Benign. Last evaluated: 2020-09-14. Review status: criteria provided, single submitter. Criteria: GeneDx Variant Classification Process June 2021. Collection method: clinical testing. Allele origin: germline. Affected: yes.

Illumina Laboratory Services, Illumina
Classification: Uncertain significance for Autosomal recessive nonsyndromic hearing loss 3. Last evaluated: 2018-01-13. Review status: criteria provided, single submitter. Criteria: ICSL Variant Classification Criteria 13 December 2019. Collection method: clinical testing. Allele origin: germline.

Laboratory for Molecular Medicine, Mass General Brigham Personalized Medicine
Classification: Benign. Last evaluated: 2012-04-30. Review status: criteria provided, single submitter. Criteria: LMM Criteria. Collection method: clinical testing. Allele origin: germline. Observed: 7 variant alleles.
Comment: His1960His in Exon 25 of MYO15A: This variant is not expected to have clinical s ignificance because it does not alter an amino acid residue, is not located with in the splice consensus sequence, and has been identified in 0.8% (27/3336) of A frican American chromosomes from a broad population by the NHLBI Exome Sequencin g Project.

NM_016239.4(MYO15A):c.5880C>T (p.His1960=)

Gene: MYO15A (myosin XVA; plus strand). Cytogenetic location: 17p11.2.
Variant type: single nucleotide variant.
Coding change: c.5880C>T on transcript NM_016239.4 (MANE Select); coding-DNA position 5880, C replaced by T.
Protein change: p.His1960=; no amino-acid change (histidine 1960 retained).
Molecular consequence: synonymous variant.
Genome position (GRCh38, 1-based): chr17:18,142,810, C>T. VCF-style: chr17-18142810-C-T. GRCh37 (hg19) VCF-style: chr17-18046124-C-T.
Identifiers: ClinVar variation 45752 (VCV000045752.45), dbSNP rs201487604, ClinGen allele CA136996.